The following is an entry in ClinVar:

NM_206933.4(USH2A):c.15358A>G (p.Ser5120Gly)

Gene: USH2A (usherin; minus strand). Cytogenetic location: 1q41.
Variant type: single nucleotide variant.
Coding change: c.15358A>G on transcript NM_206933.4 (MANE Select); coding-DNA position 15358, A replaced by G.
Protein change: p.Ser5120Gly; replaces serine 5120 with glycine.
Molecular consequence: missense variant.
Genome position (GRCh38, 1-based): chr1:215,628,975, T>C on the plus strand (A>G on the coding strand, the complement: USH2A is on the minus strand). VCF-style: chr1-215628975-T-C. GRCh37 (hg19) VCF-style: chr1-215802317-T-C.
Other names: short protein forms S5120G.
Identifiers: ClinVar variation 1809828 (VCV001809828.1), dbSNP rs768245825, ClinGen allele CA37369269.

ClinVar aggregate classification (germline): Uncertain significance (1 of 4 stars; one submission).

Allele frequency attached by ClinVar (database versions not stated): TOPMed below 0.00001.
gnomAD v4.1: 2 of 1,614,004 alleles (0.00012%); highest among the groups gnomAD compares: Admixed American, 0.0017%; no homozygotes.

Submission:

GeneDx
Classification: Uncertain significance. Last evaluated: 2022-06-27. Review status: criteria provided, single submitter. Criteria: GeneDx Variant Classification Process June 2021. Collection method: clinical testing. Allele origin: germline. Affected: yes.
Comment: Not observed at significant frequency in large population cohorts (gnomAD); In silico analysis supports that this missense variant does not alter protein structure/function; Has not been previously published as pathogenic or benign to our knowledge